The following is an entry in ClinVar:

ClinVar aggregate classification (germline): Uncertain significance. Review status: criteria provided, multiple submitters, no conflicts (2 of 4 stars). 2 submissions from 2 submitters: Uncertain significance (2). Last evaluated 2025-08-21.

Conditions:
Inborn genetic diseases. Identifiers: MedGen C0950123, MeSH D030342.

gnomAD v4.1: 36 of 1,610,790 alleles (0.0022%); highest among the groups gnomAD compares: Admixed American, 0.0034%; no homozygotes.

Submissions (2):

Labcorp Genetics (formerly Invitae), Labcorp
Classification: Uncertain significance. Last evaluated: 2025-08-21. Review status: criteria provided, single submitter. Criteria: Invitae Variant Classification Sherloc (09022015). Collection method: clinical testing. Allele origin: germline.
Comment: This sequence change replaces glutamic acid, which is acidic and polar, with lysine, which is basic and polar, at codon 46 of the ALPK1 protein (p.Glu46Lys). This variant is present in population databases (rs776572834, gnomAD 0.006%). This variant has not been reported in the literature in individuals affected with ALPK1-related conditions. This missense change has been observed in at least one individual who was not affected with ALPK1-related conditions (internal data). ClinVar contains an entry for this variant (Variation ID: 2073002). Invitae Evidence Modeling of protein sequence and biophysical properties (such as structural, functional, and spatial information, amino acid conservation, physicochemical variation, residue mobility, and thermodynamic stability) indicates that this missense variant is expected to disrupt ALPK1 protein function with a positive predictive value of 80%. In summary, the available evidence is currently insufficient to determine the role of this variant in disease. Therefore, it has been classified as a Variant of Uncertain Significance.

Ambry Genetics
Classification: Uncertain significance for Inborn genetic diseases. Last evaluated: 2025-05-29. Review status: criteria provided, single submitter. Criteria: Ambry Variant Classification Scheme 2023. Collection method: clinical testing. Allele origin: germline.

NM_025144.4(ALPK1):c.136G>A (p.Glu46Lys)

Gene: ALPK1 (alpha kinase 1; plus strand). Cytogenetic location: 4q25.
Variant type: single nucleotide variant.
Coding change: c.136G>A on transcript NM_025144.4 (MANE Select); coding-DNA position 136, G replaced by A.
Protein change: p.Glu46Lys; replaces glutamic acid 46 with lysine.
Molecular consequence: missense variant. On other transcripts: intron variant (1).
Genome position (GRCh38, 1-based): chr4:112,382,412, G>A. VCF-style: chr4-112382412-G-A. GRCh37 (hg19) VCF-style: chr4-113303568-G-A.
Other names: c.136G>A, p.Glu46Lys (NM_001102406.2); c.42+4514G>A (NM_001253884.2); c.136G>A (NM_025144.3); short protein forms E46K.
Identifiers: ClinVar variation 2073002 (VCV002073002.5), dbSNP rs776572834, ClinGen allele CA3046271.